The following is an entry in ClinVar:

ClinVar aggregate classification (germline): Uncertain significance (1 of 4 stars; one submission).

Submission:

Labcorp Genetics (formerly Invitae), Labcorp
Classification: Uncertain significance. Last evaluated: 2024-10-15. Review status: criteria provided, single submitter. Criteria: Invitae Variant Classification Sherloc (09022015). Collection method: clinical testing. Allele origin: germline.
Comment: This sequence change replaces asparagine, which is neutral and polar, with tyrosine, which is neutral and polar, at codon 1733 of the SORL1 protein (p.Asn1733Tyr). This variant is not present in population databases (gnomAD no frequency). This variant has not been reported in the literature in individuals affected with SORL1-related conditions. An algorithm developed to predict the effect of missense changes on protein structure and function (PolyPhen-2) suggests that this variant is likely to be disruptive. In summary, the available evidence is currently insufficient to determine the role of this variant in disease. Therefore, it has been classified as a Variant of Uncertain Significance.

NM_003105.6(SORL1):c.5197A>T (p.Asn1733Tyr)

Gene: SORL1 (sortilin related receptor 1; plus strand). Cytogenetic location: 11q24.1.
Variant type: single nucleotide variant.
Coding change: c.5197A>T on transcript NM_003105.6 (MANE Select); coding-DNA position 5197, A replaced by T.
Protein change: p.Asn1733Tyr; replaces asparagine 1733 with tyrosine.
Molecular consequence: missense variant.
Genome position (GRCh38, 1-based): chr11:121,608,134, A>T. VCF-style: chr11-121608134-A-T. GRCh37 (hg19) VCF-style: chr11-121478843-A-T.
Other names: short protein forms N1733Y.
Identifiers: ClinVar variation 3717104 (VCV003717104.2).